The following is an entry in ClinVar:

ClinVar aggregate classification (germline): Pathogenic/Likely pathogenic. Review status: criteria provided, multiple submitters, no conflicts (2 of 4 stars). 2 submissions from 2 submitters: Pathogenic (1); Likely pathogenic (1). Last evaluated 2026-09-03.

Conditions:
CEP290-related ciliopathy. Also called: CEP290 ciliopathy. Identifiers: MedGen CN305601, MONDO:0100451.
Leber congenital amaurosis (LCA). Also called: Leber's amaurosis. Identifiers: Orphanet 65, MedGen C0339527, MeSH D057130, MONDO:0018998.

Submissions (2):

Myriad Genetics, Inc.
Classification: Pathogenic for CEP290-related ciliopathy. Last evaluated: 2026-09-03. Review status: criteria provided, single submitter. Criteria: Myriad Autosomal Dominant, Autosomal Recessive and X-Linked Classification Criteria (2023). Collection method: clinical testing. Allele origin: unknown.
Comment: NM_025114.3(CEP290):c.5272del1ins8(A1758Cfs*5) is expected to be pathogenic in the context of CEP290-related disorders. This variant is predicted to lead to an abnormal or absent protein product due to the creation of a premature termination codon in CEP290, a gene where loss-of-function variants are known to be pathogenic. Please note: this variant was assessed in the context of healthy population screening.

Natera, Inc.
Classification: Likely pathogenic for Leber congenital amaurosis. Last evaluated: 2024-12-03. Review status: criteria provided, single submitter. Criteria: Natera Variant Classification Schema (03/2026). Collection method: clinical testing. Allele origin: germline.
Comment: The c.5272delinsTGTCATTT variant in CEP290 is a frameshift variant predicted to shift the reading frame beginning at codon 1758 and leads to a stop codon 5 codons downstream. This variant is expected to result in nonsense mediated decay, truncation, or a dysfunctional protein product. This variant is rare in the general population with a frequency below the threshold expected for the associated phenotype(s). Given the available evidence, this variant is classified as Likely Pathogenic.

NM_025114.4(CEP290):c.5272delinsTGTCATTT (p.Ala1758fs)

Gene: CEP290 (centrosomal protein 290; minus strand). Cytogenetic location: 12q21.32.
Variant type: Indel.
Coding change: c.5272delinsTGTCATTT on transcript NM_025114.4 (MANE Select); coding-DNA position 5272, G replaced by TGTCATTT.
Protein change: p.Ala1758fs; shifts the reading frame from alanine 1758.
Molecular consequence: frameshift variant.
Genome position (GRCh38, 1-based): chr12:88,079,184, C replaced by AAATGACA on the plus strand (G replaced by TGTCATTT on the coding strand, the reverse complement: CEP290 is on the minus strand). VCF-style: chr12-88079184-C-AAATGACA. GRCh37 (hg19) VCF-style: chr12-88472961-C-AAATGACA.
Other names: short protein forms A1758fs.
Identifiers: ClinVar variation 4816219 (VCV004816219.2).